The following is an entry in ClinVar:

ClinVar aggregate classification (germline): Benign. Review status: criteria provided, single submitter (1 of 4 stars). 2 submissions from 1 submitter: Benign (2). Last evaluated 2018-01-12.

Conditions:
Hypophosphatemic rickets, autosomal recessive, 2 (ARHR2). Identifiers: Orphanet 289176, MedGen C2750078, MONDO:0013219, OMIM 613312.
Arterial calcification, generalized, of infancy, 1 (GACI1). Also called: Idiopathic Infantile Arterial Calcification. Identifiers: Orphanet 51608, MedGen C4551985, MONDO:0008817, OMIM 208000.

Allele frequency attached by ClinVar (database versions not stated): gnomAD 0.02411 and 0.02593; 1000 Genomes Project 0.02716; TOPMed 0.02810; 1000 Genomes Project 30x 0.02967.

Submissions (2):

Illumina Laboratory Services, Illumina
Classification: Benign for Hypophosphatemic rickets, autosomal recessive, 2. Last evaluated: 2018-01-12. Review status: criteria provided, single submitter. Criteria: ICSL Variant Classification Criteria 13 December 2019. Collection method: clinical testing. Allele origin: germline.
Comment: This variant was observed in the ICSL laboratory as part of a predisposition screen in an ostensibly healthy population. It had not been previously curated by ICSL or reported in the Human Gene Mutation Database (HGMD: prior to June 1st, 2018), and was therefore a candidate for classification through an automated scoring system. Utilizing variant allele frequency, disease prevalence and penetrance estimates, and inheritance mode, an automated score was calculated to assess if this variant is too frequent to cause the disease. Based on the score and internal cut-off values, a variant classified as benign is not then subjected to further curation. The score for this variant resulted in a classification of benign for this disease.

Illumina Laboratory Services, Illumina
Classification: Benign for Arterial calcification, generalized, of infancy, 1. Last evaluated: 2018-01-12. Review status: criteria provided, single submitter. Criteria: ICSL Variant Classification Criteria 13 December 2019. Collection method: clinical testing. Allele origin: germline.
Comment: the same text as in the submission from Illumina Laboratory Services, Illumina above.

NM_006208.3(ENPP1):c.*3784T>C

Gene: ENPP1 (ectonucleotide pyrophosphatase/phosphodiesterase 1; plus strand). Cytogenetic location: 6q23.2.
Variant type: single nucleotide variant.
Coding change: c.*3784T>C on transcript NM_006208.3 (MANE Select); 3784 bases downstream of the stop codon, T replaced by C.
Molecular consequence: 3 prime UTR variant.
Genome position (GRCh38, 1-based): chr6:131,894,295, T>C. VCF-style: chr6-131894295-T-C. GRCh37 (hg19) VCF-style: chr6-132215435-T-C.
Identifiers: ClinVar variation 355425 (VCV000355425.5), dbSNP rs116417632, ClinGen allele CA10621451.